The following is an entry in ClinVar:

ClinVar aggregate classification (germline): Pathogenic (1 of 4 stars; one submission).

Conditions:
Hypohidrotic X-linked ectodermal dysplasia (XHED). Also called: Christ-Siemans-Touraine syndrome; Anhidrotic ectodermal dysplasia X-linked; Christ Siemens Touraine syndrome; Ectodermal Dysplasia 1, Anhidrotic; ECTODERMAL DYSPLASIA 1, HYPOHIDROTIC, X-LINKED; ECTODERMAL DYSPLASIA 1, HYPOHIDROTIC/HAIR/TOOTH TYPE, X-LINKED. Identifiers: Orphanet 181, Orphanet 238468, MedGen C0162359, MONDO:0010585, OMIM 305100.

Submission:

Labcorp Genetics (formerly Invitae), Labcorp
Classification: Pathogenic for Hypohidrotic X-linked ectodermal dysplasia. Last evaluated: 2022-06-20. Review status: criteria provided, single submitter. Criteria: Invitae Variant Classification Sherloc (09022015). Collection method: clinical testing. Allele origin: germline.
Comment: This variant is a gross deletion of the genomic region encompassing exon(s) 2-8 of the EDA gene, which includes the termination codon. This deletion extends beyond the assayed region for this gene and therefore may encompass additional genes. While this deletion is not anticipated to lead to nonsense mediated decay, it is expected to alter mRNA translation or result in a truncated protein product. This variant has not been reported in the literature in individuals affected with EDA-related conditions. This variant disrupts a region of the EDA protein in which other variant(s) (Deletion (Exons 3-8)) have been determined to be pathogenic (PMID: 20979233; Invitae). This suggests that this is a clinically significant region of the protein, and that variants that disrupt it are likely to be disease-causing. For these reasons, this variant has been classified as Pathogenic.

Literature cited by the submitters: PubMed 20979233.

NC_000023.10:g.(?_69176857)_(69255459_?)del

Gene: EDA (ectodysplasin A; plus strand). Cytogenetic location: Xq13.1.
Variant type: Deletion.
Identifiers: ClinVar variation 2424161 (VCV002424161.3).